The following is an entry in ClinVar:

ClinVar aggregate classification (germline): Conflicting classifications of pathogenicity. Review status: criteria provided, conflicting classifications (1 of 4 stars). 2 submissions from 2 submitters: Uncertain significance (1); Benign (1). Last evaluated 2024-06-22.

Conditions:
Frontometaphyseal dysplasia (FMD1). Identifiers: Orphanet 1826, MedGen C0265293, MONDO:0015942.
Melnick-Needles syndrome (MNS). Also called: MELNICK-NEEDLES OSTEODYSPLASTY; OSTEODYSPLASTY OF MELNICK AND NEEDLES; Melnick-Needles Syndrome (FLNA-MNS). Identifiers: Orphanet 2484, MedGen C0025237, MONDO:0010650, OMIM 309350.
Oto-palato-digital syndrome, type II (OPD2). Also called: FACIOPALATOOSSEOUS SYNDROME; Otopalatodigital Syndrome, Type II; OPD II SYNDROME; Otopalatodigital Syndrome Type 2 (FLNA-OPD2). Identifiers: Orphanet 669, Orphanet 90652, MedGen C1844696, MONDO:0010571, OMIM 304120.
Heterotopia, periventricular, X-linked dominant (PVNH1). Also called: PERIVENTRICULAR NODULAR HETEROTOPIA 1; X-linked periventricular heterotopia; PERIVENTRICULAR NODULAR HETEROTOPIA 4; HETEROTOPIA, PERIVENTRICULAR, 1. Identifiers: Orphanet 2149, Orphanet 82004, MedGen C1848213, MONDO:0010233, OMIM 300049.

Allele frequency attached by ClinVar (database versions not stated): ExAC 0.00001; gnomAD exomes 0.00001; TOPMed 0.00001.
gnomAD v4.1: 8 of 1,211,671 alleles (0.00066%); highest among the groups gnomAD compares: South Asian, 0.0018%; no homozygotes.

Submissions (2):

Labcorp Genetics (formerly Invitae), Labcorp
Classification: Benign for Oto-palato-digital syndrome, type II; Heterotopia, periventricular, X-linked dominant; Frontometaphyseal dysplasia; Melnick-Needles syndrome. Last evaluated: 2024-06-22. Review status: criteria provided, single submitter. Criteria: Invitae Variant Classification Sherloc (09022015). Collection method: clinical testing. Allele origin: germline.

GeneDx
Classification: Uncertain significance. Last evaluated: 2024-05-16. Review status: criteria provided, single submitter. Criteria: GeneDx Variant Classification Process June 2021. Collection method: clinical testing. Allele origin: germline. Affected: yes.
Comment: Has not been previously published as pathogenic or benign to our knowledge; In silico analysis supports that this missense variant has a deleterious effect on protein structure/function

NM_001110556.2(FLNA):c.5537A>G (p.Tyr1846Cys)

Gene: FLNA (filamin A; minus strand). Cytogenetic location: Xq28.
Variant type: single nucleotide variant.
Coding change: c.5537A>G on transcript NM_001110556.2 (MANE Select); coding-DNA position 5537, A replaced by G.
Protein change: p.Tyr1846Cys; replaces tyrosine 1846 with cysteine.
Molecular consequence: missense variant.
Genome position (GRCh38, 1-based): chrX:154,354,171, T>C on the plus strand (A>G on the coding strand, the complement: FLNA is on the minus strand). VCF-style: chrX-154354171-T-C. GRCh37 (hg19) VCF-style: chrX-153582539-T-C.
Other names: c.5513A>G, p.Tyr1838Cys (NM_001456.4); c.5513A>G (NM_001456.3); short protein forms Y1838C, Y1846C.
Identifiers: ClinVar variation 1003100 (VCV001003100.10), dbSNP rs782771039, ClinGen allele CA10560292.